The following is an entry in ClinVar:

NM_006180.6(NTRK2):c.319del (p.Ala107fs)

Gene: NTRK2 (neurotrophic receptor tyrosine kinase 2; plus strand). Cytogenetic location: 9q21.33.
Variant type: Deletion.
Coding change: c.319del on transcript NM_006180.6 (MANE Select); coding-DNA position 319, one base deleted (G; older notation c.319delG).
Protein change: p.Ala107fs; shifts the reading frame from alanine 107.
Molecular consequence: frameshift variant. On other transcripts: 5 prime UTR variant (4).
Genome position (GRCh38, 1-based): chr9:84,702,379, G deleted; the last of 2 consecutive G bases (chr9:84,702,378-84,702,379); deleting either gives the same sequence. VCF-style (leftmost placement, unchanged base first): chr9-84702377-TG-T. GRCh37 (hg19) VCF-style: chr9-87317292-TG-T.
Other names: c.319del, p.Ala107fs (NM_001007097.3, NM_001018064.3, NM_001018065.2 and 18 more transcripts); c.-150del (NM_001369535.1, NM_001369536.1, NM_001369550.1 and 1 more transcripts); short protein forms A107fs.
Identifiers: ClinVar variation 3632765 (VCV003632765.2).

ClinVar aggregate classification (germline): Pathogenic (1 of 4 stars; one submission).

Submission:

Labcorp Genetics (formerly Invitae), Labcorp
Classification: Pathogenic. Last evaluated: 2025-03-17. Review status: criteria provided, single submitter. Criteria: Invitae Variant Classification Sherloc (09022015). Collection method: clinical testing. Allele origin: germline.
Comment: This sequence change creates a premature translational stop signal (p.Ala107Leufs*6) in the NTRK2 gene. It is expected to result in an absent or disrupted protein product. Loss-of-function variants in NTRK2 are known to be pathogenic (PMID: 23512795, 27884935). This variant is not present in population databases (gnomAD no frequency). This variant has not been reported in the literature in individuals affected with NTRK2-related conditions. For these reasons, this variant has been classified as Pathogenic.

Literature cited by the submitters: PubMed 23512795; PubMed 27884935.